The following is an entry in ClinVar:

NM_016180.5(SLC45A2):c.1235C>T (p.Thr412Met)

Gene: SLC45A2 (solute carrier family 45 member 2; minus strand). Cytogenetic location: 5p13.2.
Variant type: single nucleotide variant.
Coding change: c.1235C>T on transcript NM_016180.5 (MANE Select); coding-DNA position 1235, C replaced by T.
Protein change: p.Thr412Met; replaces threonine 412 with methionine.
Molecular consequence: missense variant.
Genome position (GRCh38, 1-based): chr5:33,947,296, G>A on the plus strand (C>T on the coding strand, the complement: SLC45A2 is on the minus strand). VCF-style: chr5-33947296-G-A. GRCh37 (hg19) VCF-style: chr5-33947401-G-A.
Other names: c.1235C>T, p.Thr412Met (NM_001012509.4); short protein forms T412M.
Identifiers: ClinVar variation 907929 (VCV000907929.5), dbSNP rs149980670, ClinGen allele CA3225528.

ClinVar aggregate classification (germline): Uncertain significance. Review status: criteria provided, multiple submitters, no conflicts (2 of 4 stars). 2 submissions from 2 submitters: Uncertain significance (2). Last evaluated 2022-07-15.

Conditions:
Oculocutaneous albinism type 4 (OCA4). Also called: Albinism, oculocutaneous, type IV. Identifiers: Orphanet 79435, MedGen C1847836, MONDO:0011683, OMIM 606574.

Allele frequency attached by ClinVar (database versions not stated): ExAC 0.00005; gnomAD exomes 0.00003 and 0.00002; gnomAD 0.00001; TOPMed 0.00001; ESP Exome Variant Server 0.00008.
gnomAD v4.1: 39 of 1,614,000 alleles (0.0024%); highest among the groups gnomAD compares: Admixed American, 0.0033%; no homozygotes.

Submissions (2):

Labcorp Genetics (formerly Invitae), Labcorp
Classification: Uncertain significance. Last evaluated: 2022-07-15. Review status: criteria provided, single submitter. Criteria: Invitae Variant Classification Sherloc (09022015). Collection method: clinical testing. Allele origin: germline.
Comment: This sequence change replaces threonine, which is neutral and polar, with methionine, which is neutral and non-polar, at codon 412 of the SLC45A2 protein (p.Thr412Met). This variant is present in population databases (rs149980670, gnomAD 0.01%). This variant has not been reported in the literature in individuals affected with SLC45A2-related conditions. ClinVar contains an entry for this variant (Variation ID: 907929). Algorithms developed to predict the effect of missense changes on protein structure and function are either unavailable or do not agree on the potential impact of this missense change (SIFT: "Tolerated"; PolyPhen-2: "Probably Damaging"; Align-GVGD: "Class C0"). In summary, the available evidence is currently insufficient to determine the role of this variant in disease. Therefore, it has been classified as a Variant of Uncertain Significance.

Illumina Laboratory Services, Illumina
Classification: Uncertain significance for Oculocutaneous albinism type 4. Last evaluated: 2017-04-28. Review status: criteria provided, single submitter. Criteria: ICSL Variant Classification Criteria 13 December 2019. Collection method: clinical testing. Allele origin: germline.